The following is an entry in ClinVar:

ClinVar aggregate classification (germline): Pathogenic (1 of 4 stars; one submission).

Conditions:
Developmental and epileptic encephalopathy. Identifiers: MedGen C5779964, MONDO:0100620.

Submission:

Labcorp Genetics (formerly Invitae), Labcorp
Classification: Pathogenic for Early-infantile DEE. Last evaluated: 2023-01-16. Review status: criteria provided, single submitter. Criteria: Invitae Variant Classification Sherloc (09022015). Collection method: clinical testing. Allele origin: unknown.
Comment: For these reasons, this variant has been classified as Pathogenic. This variant has not been reported in the literature in individuals affected with SCN1A-related conditions. This variant is a gross deletion of the genomic region encompassing exon(s) 13 of the SCN1A gene. This deletion is out-of-frame, and is expected to create a premature termination codon and result in an absent or disrupted protein product. Loss-of-function variants in SCN1A are known to be pathogenic (PMID: 17347258, 18930999).

Literature cited by the submitters: PubMed 17347258; PubMed 18930999.

NC_000002.11:g.(?_166897721)_(166897999_?)del

Gene: SCN1A (sodium voltage-gated channel alpha subunit 1; minus strand). Cytogenetic location: 2q24.3.
Variant type: Deletion.
Identifiers: ClinVar variation 3247188 (VCV003247188.1).